The following is an entry in ClinVar:

NM_000474.4(TWIST1):c.350A>G (p.Glu117Gly)

Gene: TWIST1 (twist family bHLH transcription factor 1; minus strand). Cytogenetic location: 7p21.1.
Variant type: single nucleotide variant.
Coding change: c.350A>G on transcript NM_000474.4 (MANE Select); coding-DNA position 350, A replaced by G.
Protein change: p.Glu117Gly; replaces glutamic acid 117 with glycine.
Molecular consequence: missense variant. On other transcripts: non-coding transcript variant (1).
Genome position (GRCh38, 1-based): chr7:19,116,972, T>C on the plus strand (A>G on the coding strand, the complement: TWIST1 is on the minus strand). VCF-style: chr7-19116972-T-C. GRCh37 (hg19) VCF-style: chr7-19156595-T-C.
Other names: short protein forms E117G.
Identifiers: ClinVar variation 444876 (VCV000444876.4), dbSNP rs1554442016, ClinGen allele CA367015626.

ClinVar aggregate classification (germline): Pathogenic. Review status: criteria provided, single submitter (1 of 4 stars). 2 submissions from 2 submitters: Pathogenic (1). 1 of the submissions does not count toward it. Last evaluated 2023-09-30.

Conditions:
TWIST1-related craniosynostosis (CRS1). Also called: CRANIOSYNOSTOSIS 1. Identifiers: Orphanet 63440, MedGen C4551902, MONDO:0007399, OMIM 123100. Inheritance: Heterogenous inheritance pattern.
Saethre-Chotzen syndrome (SCS). Also called: ACROCEPHALY, SKULL ASYMMETRY, AND MILD SYNDACTYLY; ACS III; CHOTZEN SYNDROME. Identifiers: Orphanet 794, MedGen C0175699, MONDO:0007042, OMIM 101400.
Sweeney-Cox syndrome. Identifiers: MedGen C4540299, MONDO:0060592, OMIM 617746.

Submissions (2):

Labcorp Genetics (formerly Invitae), Labcorp
Classification: Pathogenic for TWIST1-related craniosynostosis; Saethre-Chotzen syndrome. Last evaluated: 2023-09-30. Review status: criteria provided, single submitter. Criteria: Invitae Variant Classification Sherloc (09022015). Collection method: clinical testing. Allele origin: germline.
Comment: This sequence change replaces glutamic acid, which is acidic and polar, with glycine, which is neutral and non-polar, at codon 117 of the TWIST1 protein (p.Glu117Gly). For these reasons, this variant has been classified as Pathogenic. This variant disrupts the p.Glu117 amino acid residue in TWIST1. Other variant(s) that disrupt this residue have been observed in individuals with TWIST1-related conditions (PMID: 27884935, 28369379, 30450715), which suggests that this may be a clinically significant amino acid residue. Experimental studies have shown that this missense change affects TWIST1 function (PMID: 28369379). An algorithm developed to predict the effect of missense changes on protein structure and function (PolyPhen-2) suggests that this variant is likely to be disruptive. ClinVar contains an entry for this variant (Variation ID: 444876). This missense change has been observed in individual(s) with TWIST1-related conditions (PMID: 28369379). In at least one individual the variant was observed to be de novo. This variant is not present in population databases (gnomAD no frequency).

OMIM
Classification: Pathogenic for SWEENEY-COX SYNDROME. Last evaluated: 2017-10-26. Review status: no assertion criteria provided. Collection method: literature only. Allele origin: germline. Not counted in ClinVar's aggregate classification.

Literature cited by the submitters: PubMed 27884935 (cited by Labcorp Genetics (formerly Invitae), Labcorp); PubMed 28369379 (cited by Labcorp Genetics (formerly Invitae), Labcorp and OMIM); PubMed 30450715 (cited by Labcorp Genetics (formerly Invitae), Labcorp).